The following is an entry in ClinVar:

NM_002206.3(ITGA7):c.236C>T (p.Ala79Val)

Gene: ITGA7 (integrin subunit alpha 7; minus strand). Cytogenetic location: 12q13.2.
Variant type: single nucleotide variant.
Coding change: c.236C>T on transcript NM_002206.3 (MANE Select); coding-DNA position 236, C replaced by T.
Protein change: p.Ala79Val; replaces alanine 79 with valine.
Molecular consequence: missense variant. On other transcripts: 5 prime UTR variant (3), intron variant (1).
Genome position (GRCh38, 1-based): chr12:55,703,149, G>A on the plus strand (C>T on the coding strand, the complement: ITGA7 is on the minus strand). VCF-style: chr12-55703149-G-A. GRCh37 (hg19) VCF-style: chr12-56096933-G-A.
Other names: c.236C>T, p.Ala79Val (NM_001144996.2, NM_001374465.1, NM_001410977.1 and 6 more transcripts); c.-104C>T (NM_001367993.1, NM_001414035.1); c.-937C>T (NM_001367994.1); c.86-1733C>T (NM_001144997.2); short protein forms A79V.
Identifiers: ClinVar variation 1966491 (VCV001966491.5), dbSNP rs1874432811, ClinGen allele CA385193942.

ClinVar aggregate classification (germline): Uncertain significance (1 of 4 stars; one submission).

Conditions:
Congenital muscular dystrophy due to integrin alpha-7 deficiency. Also called: MYOPATHY, CONGENITAL, DUE TO INTEGRIN ALPHA-7 DEFICIENCY; Congenital muscular dystrophy with integrin alpha-7 deficiency; Muscular dystrophy, congenital, due to ITGA7 deficiency. Identifiers: Orphanet 34520, MedGen C2750786, MONDO:0013177, OMIM 613204.

Allele frequency attached by ClinVar (database versions not stated): TOPMed below 0.00001.

Submission:

Labcorp Genetics (formerly Invitae), Labcorp
Classification: Uncertain significance for Congenital muscular dystrophy due to integrin alpha-7 deficiency. Last evaluated: 2022-04-18. Review status: criteria provided, single submitter. Criteria: Invitae Variant Classification Sherloc (09022015). Collection method: clinical testing. Allele origin: germline.
Comment: This variant is not present in population databases (gnomAD no frequency). This sequence change replaces alanine, which is neutral and non-polar, with valine, which is neutral and non-polar, at codon 79 of the ITGA7 protein (p.Ala79Val). In summary, the available evidence is currently insufficient to determine the role of this variant in disease. Therefore, it has been classified as a Variant of Uncertain Significance. Algorithms developed to predict the effect of missense changes on protein structure and function are either unavailable or do not agree on the potential impact of this missense change (SIFT: "Tolerated"; PolyPhen-2: "Probably Damaging"; Align-GVGD: "Class C0"). This variant has not been reported in the literature in individuals affected with ITGA7-related conditions.